The following is an entry in ClinVar:

ClinVar aggregate classification (germline): Conflicting classifications of pathogenicity. Review status: criteria provided, conflicting classifications (1 of 4 stars). 2 submissions from 2 submitters: Uncertain significance (1); Likely benign (1). Last evaluated 2024-09-05.

Conditions:
Hereditary cancer-predisposing syndrome. Also called: Hereditary neoplastic syndrome; Tumor predisposition; Hereditary Cancer Syndrome; Neoplastic Syndromes, Hereditary. Identifiers: Orphanet 140162, MedGen C0027672, MeSH D009386, MONDO:0015356.
DICER1-related tumor predisposition. Also called: DICER1 syndrome; DICER1-related pleuropulmonary blastoma cancer predisposition syndrome. Identifiers: Orphanet 284343, MedGen C3839822, MONDO:0100216.

Submissions (2):

Ambry Genetics
Classification: Likely benign for Hereditary cancer-predisposing syndrome. Last evaluated: 2024-09-05. Review status: criteria provided, single submitter. Criteria: Ambry Variant Classification Scheme 2023. Collection method: clinical testing. Allele origin: germline.

Labcorp Genetics (formerly Invitae), Labcorp
Classification: Uncertain significance for DICER1-related tumor predisposition. Last evaluated: 2022-11-25. Review status: criteria provided, single submitter. Criteria: Invitae Variant Classification Sherloc (09022015). Collection method: clinical testing. Allele origin: germline.
Comment: This sequence change replaces glycine, which is neutral and non-polar, with aspartic acid, which is acidic and polar, at codon 621 of the DICER1 protein (p.Gly621Asp). This variant is not present in population databases (gnomAD no frequency). This variant has not been reported in the literature in individuals affected with DICER1-related conditions. ClinVar contains an entry for this variant (Variation ID: 580107). Advanced modeling of protein sequence and biophysical properties (such as structural, functional, and spatial information, amino acid conservation, physicochemical variation, residue mobility, and thermodynamic stability) performed at Invitae indicates that this missense variant is not expected to disrupt DICER1 protein function. In summary, the available evidence is currently insufficient to determine the role of this variant in disease. Therefore, it has been classified as a Variant of Uncertain Significance.

NM_177438.3(DICER1):c.1862G>A (p.Gly621Asp)

Gene: DICER1 (dicer 1, ribonuclease III; minus strand). Cytogenetic location: 14q32.13.
Variant type: single nucleotide variant.
Coding change: c.1862G>A on transcript NM_177438.3 (MANE Select); coding-DNA position 1862, G replaced by A.
Protein change: p.Gly621Asp; replaces glycine 621 with aspartic acid.
Molecular consequence: missense variant.
Genome position (GRCh38, 1-based): chr14:95,115,712, C>T on the plus strand (G>A on the coding strand, the complement: DICER1 is on the minus strand). VCF-style: chr14-95115712-C-T. GRCh37 (hg19) VCF-style: chr14-95582049-C-T.
Other names: c.1862G>A, p.Gly621Asp (NM_001195573.1, NM_001271282.3, NM_001291628.2 and 1 more transcripts); short protein forms G621D.
Identifiers: ClinVar variation 580107 (VCV000580107.13), dbSNP rs1369399401, ClinGen allele CA390883966.
Genomic context (GRCh38, chr14:95,115,712, plus strand): 5'-GATATGATGCCATACCTATTGATGTGTCCAATGGCCGTGTTGATTGTGACTCGTGGACCA[C>T]CATCGTCAGGCCTCAACACATATGGTGGGAAAACGTCATCATCATCCATGACAGGATCAA-3'
Protein context (NP_803187.1, residues 611-631): FPPYVLRPDD[Gly621Asp]GPRVTINTAI